The following is an entry in ClinVar:

NM_024580.6(EFL1):c.880G>A (p.Val294Ile)

Gene: EFL1 (elongation factor like GTPase 1; minus strand). Cytogenetic location: 15q25.2.
Variant type: single nucleotide variant.
Coding change: c.880G>A on transcript NM_024580.6 (MANE Select); coding-DNA position 880, G replaced by A.
Protein change: p.Val294Ile; replaces valine 294 with isoleucine.
Molecular consequence: missense variant. On other transcripts: non-coding transcript variant (1).
Genome position (GRCh38, 1-based): chr15:82,229,086, C>T on the plus strand (G>A on the coding strand, the complement: EFL1 is on the minus strand). VCF-style: chr15-82229086-C-T. GRCh37 (hg19) VCF-style: chr15-82521427-C-T.
Other names: c.727G>A, p.Val243Ile (NM_001040610.3); c.91G>A, p.Val31Ile (NM_001322844.2); c.880G>A, p.Val294Ile (NM_001322845.2); short protein forms V243I, V294I, V31I.
Identifiers: ClinVar variation 2114883 (VCV002114883.4), dbSNP rs781374902, ClinGen allele CA393278138.

ClinVar aggregate classification (germline): Uncertain significance (1 of 4 stars; one submission).

Submission:

Labcorp Genetics (formerly Invitae), Labcorp
Classification: Uncertain significance. Last evaluated: 2022-03-20. Review status: criteria provided, single submitter. Criteria: Invitae Variant Classification Sherloc (09022015). Collection method: clinical testing. Allele origin: germline.
Comment: Algorithms developed to predict the effect of missense changes on protein structure and function are either unavailable or do not agree on the potential impact of this missense change (SIFT: "Tolerated"; PolyPhen-2: "Probably Damaging"; Align-GVGD: "Class C0"). In summary, the available evidence is currently insufficient to determine the role of this variant in disease. Therefore, it has been classified as a Variant of Uncertain Significance. This sequence change replaces valine, which is neutral and non-polar, with isoleucine, which is neutral and non-polar, at codon 294 of the EFL1 protein (p.Val294Ile). This variant is not present in population databases (gnomAD no frequency). This variant has not been reported in the literature in individuals affected with EFL1-related conditions.